The following is an entry in ClinVar:

NM_002150.3(HPD):c.1121A>T (p.Glu374Val)

Genes: TIALD (transcript inducer of AURKA lysosomal degradation; plus strand), HPD (4-hydroxyphenylpyruvate dioxygenase; minus strand). Cytogenetic location: 12q24.31.
Variant type: single nucleotide variant.
Coding change: c.1121A>T on transcript NM_002150.3 (MANE Select); coding-DNA position 1121, A replaced by T.
Protein change: p.Glu374Val; replaces glutamic acid 374 with valine.
Molecular consequence: missense variant.
Genome position (GRCh38, 1-based): chr12:121,839,789, T>A on the plus strand (A>T on the coding strand, the complement: HPD is on the minus strand). VCF-style: chr12-121839789-T-A. GRCh37 (hg19) VCF-style: chr12-122277695-T-A.
Other names: c.1004A>T, p.Glu335Val (NM_001171993.2); short protein forms E335V, E374V.
Identifiers: ClinVar variation 936108 (VCV000936108.10), dbSNP rs1877344435, ClinGen allele CA387008243.

ClinVar aggregate classification (germline): Uncertain significance (1 of 4 stars; one submission).

Conditions:
Tyrosinemia type III. Also called: Tyrosinemia type 3; 4-alpha hydroxyphenylpyruvic acid oxidase deficiency; 4-alpha hydroxyphenylpyruvate dioxygenase deficiency; 4-Hydroxyphenylpyruvate dioxygenase deficiency; 4-HYDROXYPHENYLPYRUVIC ACID OXIDASE DEFICIENCY. Identifiers: Orphanet 69723, MedGen C0268623, MONDO:0010162, OMIM 276710.
Hawkinsinuria. Identifiers: Orphanet 2118, MedGen C2931042, MONDO:0007700, OMIM 140350, HP:0034457.

Submission:

Labcorp Genetics (formerly Invitae), Labcorp
Classification: Uncertain significance for Tyrosinemia type III; Hawkinsinuria. Last evaluated: 2025-06-02. Review status: criteria provided, single submitter. Criteria: Invitae Variant Classification Sherloc (09022015). Collection method: clinical testing. Allele origin: germline.
Comment: This sequence change replaces glutamic acid, which is acidic and polar, with valine, which is neutral and non-polar, at codon 374 of the HPD protein (p.Glu374Val). This variant is not present in population databases (gnomAD no frequency). This variant has not been reported in the literature in individuals affected with HPD-related conditions. ClinVar contains an entry for this variant (Variation ID: 936108). Invitae Evidence Modeling of protein sequence and biophysical properties (such as structural, functional, and spatial information, amino acid conservation, physicochemical variation, residue mobility, and thermodynamic stability) indicates that this missense variant is expected to disrupt HPD protein function with a positive predictive value of 80%. In summary, the available evidence is currently insufficient to determine the role of this variant in disease. Therefore, it has been classified as a Variant of Uncertain Significance.